The following is an entry in ClinVar:

ClinVar aggregate classification (germline): Uncertain significance (1 of 4 stars; one submission).

Submission:

Labcorp Genetics (formerly Invitae), Labcorp
Classification: Uncertain significance. Last evaluated: 2023-07-14. Review status: criteria provided, single submitter. Criteria: Invitae Variant Classification Sherloc (09022015). Collection method: clinical testing. Allele origin: unknown.
Comment: This variant is a gross deletion of the genomic region encompassing exon(s) 5 of the TNNI3K gene. This variant would be expected to be in-frame, preserving the integrity of the reading frame. This variant has not been reported in the literature in individuals affected with TNNI3K-related conditions. Experimental studies and prediction algorithms are not available or were not evaluated, and the functional significance of this variant is currently unknown. In summary, the available evidence is currently insufficient to determine the role of this variant in disease. Therefore, it has been classified as a Variant of Uncertain Significance.

NC_000001.10:g.(?_74737262)_(74737412_?)del

Genes: FPGT-TNNI3K (FPGT-TNNI3K readthrough; plus strand), TNNI3K (TNNI3 interacting kinase; plus strand). Cytogenetic location: 1p31.1.
Variant type: Deletion.
Identifiers: ClinVar variation 3247997 (VCV003247997.1).